The following is an entry in ClinVar:

ClinVar aggregate classification (germline): Uncertain significance (1 of 4 stars; one submission).

Conditions:
Hereditary sensory neuropathy-deafness-dementia syndrome. Also called: NEUROPATHY, HEREDITARY SENSORY, WITH HEARING LOSS AND DEMENTIA; Hereditary Sensory and Autonomic Neuropathy Type 1E (HSAN1E); Hereditary sensory neuropathy type IE; HSN IE. Identifiers: Orphanet 456318, MedGen C3279885, MONDO:0013584, OMIM 614116.

Allele frequency attached by ClinVar (database versions not stated): gnomAD 0.00001; gnomAD exomes 0.00001; ESP Exome Variant Server 0.00008.
gnomAD v4.1: 19 of 1,613,928 alleles (0.0012%); highest among the groups gnomAD compares: Non-Finnish European, 0.0015%; no homozygotes.

Submission:

Labcorp Genetics (formerly Invitae), Labcorp
Classification: Uncertain significance for Hereditary sensory neuropathy-deafness-dementia syndrome. Last evaluated: 2022-08-24. Review status: criteria provided, single submitter. Criteria: Invitae Variant Classification Sherloc (09022015). Collection method: clinical testing. Allele origin: germline.
Comment: In summary, the available evidence is currently insufficient to determine the role of this variant in disease. Therefore, it has been classified as a Variant of Uncertain Significance. Algorithms developed to predict the effect of missense changes on protein structure and function (SIFT, PolyPhen-2, Align-GVGD) all suggest that this variant is likely to be tolerated. This variant has not been reported in the literature in individuals affected with DNMT1-related conditions. This variant is not present in population databases (gnomAD no frequency). This sequence change replaces threonine, which is neutral and polar, with asparagine, which is neutral and polar, at codon 247 of the DNMT1 protein (p.Thr247Asn).

NM_001130823.3(DNMT1):c.740C>A (p.Thr247Asn)

Gene: DNMT1 (DNA methyltransferase 1; minus strand). Cytogenetic location: 19p13.2.
Variant type: single nucleotide variant.
Coding change: c.740C>A on transcript NM_001130823.3 (MANE Select); coding-DNA position 740, C replaced by A.
Protein change: p.Thr247Asn; replaces threonine 247 with asparagine.
Molecular consequence: missense variant.
Genome position (GRCh38, 1-based): chr19:10,173,118, G>T on the plus strand (C>A on the coding strand, the complement: DNMT1 is on the minus strand). VCF-style: chr19-10173118-G-T. GRCh37 (hg19) VCF-style: chr19-10283794-G-T.
Other names: c.692C>A, p.Thr231Asn (NM_001318730.2, NM_001379.4); c.377C>A, p.Thr126Asn (NM_001318731.2); short protein forms T247N, T126N, T231N.
Identifiers: ClinVar variation 1927121 (VCV001927121.5), dbSNP rs370064676, ClinGen allele CA305179720.